The following is an entry in ClinVar:

ClinVar aggregate classification (germline): Uncertain significance. Review status: criteria provided, multiple submitters, no conflicts (2 of 4 stars). 2 submissions from 2 submitters: Uncertain significance (2). Last evaluated 2026-04-04.

Conditions:
Cardiovascular phenotype. Identifiers: MedGen CN230736.

gnomAD v4.1: 1 of 1,613,034 alleles (0.000062%); highest among the groups gnomAD compares: Admixed American, 0.0017%; no homozygotes.

Submissions (2):

GeneDx
Classification: Uncertain significance. Last evaluated: 2026-04-04. Review status: criteria provided, single submitter. Criteria: GeneDx Variant Classification Process June 2021. Collection method: clinical testing. Allele origin: germline.
Comment: Not observed at significant frequency in large population cohorts (gnomAD); In silico analysis supports that this missense variant has a deleterious effect on protein structure/function; Has not been previously published as pathogenic or benign to our knowledge

Ambry Genetics
Classification: Uncertain significance for Cardiovascular phenotype. Last evaluated: 2025-03-22. Review status: criteria provided, single submitter. Criteria: Ambry Variant Classification Scheme 2023. Collection method: clinical testing. Allele origin: germline.

NM_004444.5(EPHB4):c.590G>T (p.Cys197Phe)

Gene: EPHB4 (EPH receptor B4; minus strand). Cytogenetic location: 7q22.1.
Variant type: single nucleotide variant.
Coding change: c.590G>T on transcript NM_004444.5 (MANE Select); coding-DNA position 590, G replaced by T.
Protein change: p.Cys197Phe; replaces cysteine 197 with phenylalanine.
Molecular consequence: missense variant.
Genome position (GRCh38, 1-based): chr7:100,822,489, C>A on the plus strand (G>T on the coding strand, the complement: EPHB4 is on the minus strand). VCF-style: chr7-100822489-C-A. GRCh37 (hg19) VCF-style: chr7-100420111-C-A.
Other names: short protein forms C197F.
Identifiers: ClinVar variation 4018827 (VCV004018827.2).